The following is an entry in ClinVar:

ClinVar aggregate classification (germline): Uncertain significance (1 of 4 stars; one submission).

Conditions:
Charcot-Marie-Tooth disease axonal type 2C (HMSN2C). Also called: Charcot-Marie-Tooth Disease Type 2, TRPV4-Related (CMT2C); CHARCOT-MARIE-TOOTH DISEASE, AXONAL, AUTOSOMAL DOMINANT, TYPE 2C; Charcot-Marie-Tooth Neuropathy Type 2C. Identifiers: Orphanet 99937, MedGen C1853710, MONDO:0011633, OMIM 606071.

Allele frequency attached by ClinVar (database versions not stated): gnomAD exomes below 0.00001.
gnomAD v4.1: 2 of 1,613,970 alleles (0.00012%); highest among the groups gnomAD compares: South Asian, 0.0022%; no homozygotes.

Submission:

Centre for Mendelian Genomics, University Medical Centre Ljubljana
Classification: Uncertain significance for Charcot-Marie-Tooth disease axonal type 2C. Last evaluated: 2020-04-02. Review status: criteria provided, single submitter. Criteria: ACMG Guidelines, 2015. Collection method: clinical testing. Allele origin: unknown. Affected: yes.
Comment: This variant was classified as: Uncertain significance. The available evidence on this variant's pathogenicity is insufficient or conflicting. The following ACMG criteria were applied in classifying this variant: PM2.

NM_021625.5(TRPV4):c.386+1G>A

Gene: TRPV4 (transient receptor potential cation channel subfamily V member 4; minus strand). Cytogenetic location: 12q24.11.
Variant type: single nucleotide variant.
Coding change: c.386+1G>A on transcript NM_021625.5 (MANE Select); the canonical splice donor site of the intron after coding-DNA position 386, G replaced by A.
Molecular consequence: splice donor variant.
Genome position (GRCh38, 1-based): chr12:109,814,410, C>T on the plus strand (G>A on the coding strand, the complement: TRPV4 is on the minus strand). VCF-style: chr12-109814410-C-T. GRCh37 (hg19) VCF-style: chr12-110252215-C-T.
Other names: c.386+1G>A (NM_001177433.1, NM_001177428.1, NM_147204.2); c.284+1G>A (NM_001177431.1).
Identifiers: ClinVar variation 931354 (VCV000931354.3), dbSNP rs1207379343, ClinGen allele CA386659356.
Genomic context (GRCh38, chr12:109,814,410, plus strand): 5'-GATGAATGGGTGAATGGATACAGAGGAGGAGACCACAGGCCAGGAAGCTAACAATACTCA[C>T]TCTATGATCTTCTTCCTCCACCTCTTGTTGTCACTGGAGTGGTGACGATAGGTGCCGTAG-3'